The following is an entry in ClinVar:

ClinVar aggregate classification (germline): Uncertain significance (1 of 4 stars; one submission).

Conditions:
Fanconi anemia (FA). Also called: Fanconi's anemia. Identifiers: Orphanet 84, MedGen C0015625, MeSH D005199, MONDO:0019391.

Allele frequency attached by ClinVar (database versions not stated): gnomAD 0.00001; gnomAD exomes 0.00001.
gnomAD v4.1: 4 of 1,614,050 alleles (0.00025%); highest among the groups gnomAD compares: South Asian, 0.0044%; no homozygotes.

Submission:

Labcorp Genetics (formerly Invitae), Labcorp
Classification: Uncertain significance for Fanconi anemia. Last evaluated: 2021-08-12. Review status: criteria provided, single submitter. Criteria: Invitae Variant Classification Sherloc (09022015). Collection method: clinical testing. Allele origin: germline.
Comment: In summary, the available evidence is currently insufficient to determine the role of this variant in disease. Therefore, it has been classified as a Variant of Uncertain Significance. Algorithms developed to predict the effect of missense changes on protein structure and function are either unavailable or do not agree on the potential impact of this missense change (SIFT: "Tolerated"; PolyPhen-2: "Possibly Damaging"; Align-GVGD: "Class C0"). This variant has not been reported in the literature in individuals affected with FANCA-related conditions. This variant is not present in population databases (ExAC no frequency). This sequence change replaces aspartic acid with histidine at codon 1147 of the FANCA protein (p.Asp1147His). The aspartic acid residue is moderately conserved and there is a moderate physicochemical difference between aspartic acid and histidine.

NM_000135.4(FANCA):c.3439G>C (p.Asp1147His)

Gene: FANCA (FA complementation group A; minus strand). Cytogenetic location: 16q24.3.
Variant type: single nucleotide variant.
Coding change: c.3439G>C on transcript NM_000135.4 (MANE Select); coding-DNA position 3439, G replaced by C.
Protein change: p.Asp1147His; replaces aspartic acid 1147 with histidine.
Molecular consequence: missense variant.
Genome position (GRCh38, 1-based): chr16:89,746,658, C>G on the plus strand (G>C on the coding strand, the complement: FANCA is on the minus strand). VCF-style: chr16-89746658-C-G. GRCh37 (hg19) VCF-style: chr16-89813066-C-G.
Other names: c.3439G>C, p.Asp1147His (NM_001286167.3); short protein forms D1147H.
Identifiers: ClinVar variation 1472704 (VCV001472704.6), dbSNP rs2038400529, ClinGen allele CA397485972.